The following is an entry in ClinVar:

NM_004586.3(RPS6KA3):c.608AAG[1] (p.Glu204del)

Gene: RPS6KA3 (ribosomal protein S6 kinase A3; minus strand). Cytogenetic location: Xp22.12.
Variant type: Microsatellite.
Coding change: c.608AAG[1] on transcript NM_004586.3 (MANE Select); one copy of the 3-base unit AAG starting at c.608; the reference has two copies in a row; one copy, 3 bases deleted.
Protein change: p.Glu204del; deletes glutamic acid 204.
Molecular consequence: inframe deletion.
Genome position (GRCh38, 1-based): chrX:20,188,515-20,188,517, CTT deleted on the plus strand (AAG on the coding strand, the reverse complement: RPS6KA3 is on the minus strand); deleting any 3 consecutive bases within chrX:20,188,515-20,188,521 gives the same sequence; the position shown is the placement nearest the transcript's 3' end. VCF-style (leftmost placement, unchanged base first): chrX-20188514-CCTT-C. GRCh37 (hg19) VCF-style: chrX-20206632-CCTT-C.
Other names: short protein forms E204del.
Identifiers: ClinVar variation 504208 (VCV000504208.2), dbSNP rs1555939921, ClinGen allele CA658799619.

ClinVar aggregate classification (germline): Likely pathogenic (1 of 4 stars; one submission).

Submission:

GeneDx
Classification: Likely pathogenic. Last evaluated: 2018-01-24. Review status: criteria provided, single submitter. Criteria: GeneDx Variant Classification (06012015). Collection method: clinical testing. Allele origin: germline. Affected: yes.
Comment: The c.611_613delAAG variant has not been published as a pathogenic variant, nor has it been reported as a benign variant to our knowledge. The c.611_613delAAG variant is not observed in large population cohorts (Lek et al., 2016). The c.611_613delAAG variant results in the in-frame deletion of a single Glutamic acid residue, denoted p.Glu204del. In-silico analyses, including protein predictors and evolutionary conservation, support a deleterious effect. Therefore, this variant is likely pathogenic; however, the possibility that it is benign cannot be excluded.